The following is an entry in ClinVar:

ClinVar aggregate classification (germline): Conflicting classifications of pathogenicity. Review status: criteria provided, conflicting classifications (1 of 4 stars). 5 submissions from 5 submitters: Uncertain significance (1); Benign (2); Likely benign (2). Last evaluated 2025-07-17.

Conditions:
Chuvash polycythemia. Also called: POLYCYTHEMIA, VHL-DEPENDENT. Identifiers: Orphanet 238557, MedGen C1837915, MONDO:0009892, OMIM 263400.
Von Hippel-Lindau syndrome (VHLS). Also called: Von Hippel-Lindau; von Hippel–Lindau syndrome; VHL syndrome. Identifiers: Orphanet 892, MedGen C0019562, MONDO:0008667, OMIM 193300. Disease mechanism: loss of function.
Hereditary cancer-predisposing syndrome. Also called: Hereditary Cancer Syndrome; Neoplastic Syndromes, Hereditary; Tumor predisposition; Hereditary neoplastic syndrome. Identifiers: Orphanet 140162, MedGen C0027672, MeSH D009386, MONDO:0015356.

Allele frequency attached by ClinVar (database versions not stated): TOPMed 0.00100; gnomAD 0.00106 and 0.00096.

Submissions (5):

Labcorp Genetics (formerly Invitae), Labcorp
Classification: Benign for Von Hippel-Lindau syndrome; Chuvash polycythemia. Last evaluated: 2025-07-17. Review status: criteria provided, single submitter. Criteria: Invitae Variant Classification Sherloc (09022015). Collection method: clinical testing. Allele origin: germline.

Sema4
Classification: Benign for Hereditary cancer-predisposing syndrome. Last evaluated: 2020-11-17. Review status: criteria provided, single submitter. Criteria: Sema4 Curation Guidelines. Collection method: curation. Allele origin: germline.

Genetic Services Laboratory, University of Chicago
Classification: Uncertain significance. Last evaluated: 2019-07-12. Review status: criteria provided, single submitter. Criteria: ACMG Guidelines, 2015. Collection method: clinical testing. Allele origin: germline. Affected: no.

GeneDx
Classification: Likely benign. Last evaluated: 2019-05-31. Review status: criteria provided, single submitter. Criteria: GeneDx Variant Classification Process June 2021. Collection method: clinical testing. Allele origin: germline. Affected: yes.
Comment: This variant is associated with the following publications: (PMID: 29790589)

PreventionGenetics, part of Exact Sciences
Classification: Likely benign. Last evaluated: 2018-03-07. Review status: criteria provided, single submitter. Criteria: ACMG Guidelines, 2015. Collection method: clinical testing. Allele origin: germline.

NC_000003.12:g.10141751T>G

Gene: VHL (von Hippel-Lindau tumor suppressor; plus strand). Cytogenetic location: 3p25.3.
Variant type: single nucleotide variant.
Genome position: GRCh38 VCF-style: chr3-10141751-T-G. GRCh37 (hg19) VCF-style: chr3-10183435-T-G.
Other names: c.-97T>G (NM_000551.3).
Identifiers: ClinVar variation 560737 (VCV000560737.16), dbSNP rs34271731, ClinGen allele CA70041931.